The following is an entry in ClinVar:

ClinVar aggregate classification (germline): Uncertain significance. Review status: criteria provided, multiple submitters, no conflicts (2 of 4 stars). 2 submissions from 2 submitters: Uncertain significance (2). Last evaluated 2022-09-12.

Allele frequency attached by ClinVar (database versions not stated): TOPMed below 0.00001; gnomAD 0.00001; gnomAD exomes 0.00001.
gnomAD v4.1: 6 of 1,611,588 alleles (0.00037%); highest among the groups gnomAD compares: Non-Finnish European, 0.00051%; no homozygotes.

Submissions (2):

Blueprint Genetics
Classification: Uncertain significance. Last evaluated: 2022-09-12. Review status: criteria provided, single submitter. Criteria: ACMG Guidelines, 2015. Collection method: clinical testing. Allele origin: germline.

Labcorp Genetics (formerly Invitae), Labcorp
Classification: Uncertain significance. Last evaluated: 2022-07-11. Review status: criteria provided, single submitter. Criteria: Invitae Variant Classification Sherloc (09022015). Collection method: clinical testing. Allele origin: germline.
Comment: This sequence change replaces proline, which is neutral and non-polar, with leucine, which is neutral and non-polar, at codon 665 of the ADGRV1 protein (p.Pro665Leu). This variant is present in population databases (no rsID available, gnomAD 0.007%). This variant has not been reported in the literature in individuals affected with ADGRV1-related conditions. ClinVar contains an entry for this variant (Variation ID: 1050966). Algorithms developed to predict the effect of missense changes on protein structure and function (SIFT, PolyPhen-2, Align-GVGD) all suggest that this variant is likely to be disruptive. In summary, the available evidence is currently insufficient to determine the role of this variant in disease. Therefore, it has been classified as a Variant of Uncertain Significance.

NM_032119.4(ADGRV1):c.1994C>T (p.Pro665Leu)

Gene: ADGRV1 (adhesion G protein-coupled receptor V1; plus strand). Cytogenetic location: 5q14.3.
Variant type: single nucleotide variant.
Coding change: c.1994C>T on transcript NM_032119.4 (MANE Select); coding-DNA position 1994, C replaced by T.
Protein change: p.Pro665Leu; replaces proline 665 with leucine.
Molecular consequence: missense variant. On other transcripts: non-coding transcript variant (1).
Genome position (GRCh38, 1-based): chr5:90,635,268, C>T. VCF-style: chr5-90635268-C-T. GRCh37 (hg19) VCF-style: chr5-89931085-C-T.
Other names: short protein forms P665L.
Identifiers: ClinVar variation 1050966 (VCV001050966.5), dbSNP rs939188070, ClinGen allele CA121829868.